The following is an entry in ClinVar:

NM_001042492.3(NF1):c.1006T>G (p.Trp336Gly)

Gene: NF1 (neurofibromin 1; plus strand). Cytogenetic location: 17q11.2.
Variant type: single nucleotide variant.
Coding change: c.1006T>G on transcript NM_001042492.3 (MANE Select); coding-DNA position 1006, T replaced by G.
Protein change: p.Trp336Gly; replaces tryptophan 336 with glycine.
Molecular consequence: missense variant.
Genome position (GRCh38, 1-based): chr17:31,200,539, T>G. VCF-style: chr17-31200539-T-G. GRCh37 (hg19) VCF-style: chr17-29527557-T-G.
Other names: c.1006T>G, p.Trp336Gly (NM_000267.4, NM_001128147.3); short protein forms W336G.
Identifiers: ClinVar variation 4800713 (VCV004800713.1).

ClinVar aggregate classification (germline): Uncertain significance (1 of 4 stars; one submission).

Conditions:
Neurofibromatosis, type 1 (NF1). Also called: VON RECKLINGHAUSEN DISEASE; Neurofibromatosis, type I; NEUROFIBROMATOSIS, TYPE I, SOMATIC; Peripheral type neurofibromatosis. Identifiers: Orphanet 636, MedGen C0027831, MONDO:0018975, OMIM 162200. Disease mechanism: loss of function.

Submission:

Labcorp Genetics (formerly Invitae), Labcorp
Classification: Uncertain significance for Neurofibromatosis, type 1. Last evaluated: 2026-01-07. Review status: criteria provided, single submitter. Criteria: Invitae Variant Classification Sherloc (09022015). Collection method: clinical testing. Allele origin: germline.
Comment: This sequence change replaces tryptophan, which is neutral and slightly polar, with glycine, which is neutral and non-polar, at codon 336 of the NF1 protein (p.Trp336Gly). This variant is not present in population databases (gnomAD no frequency). This variant has not been reported in the literature in individuals affected with NF1-related conditions. Invitae Evidence Modeling of protein sequence and biophysical properties (such as structural, functional, and spatial information, amino acid conservation, physicochemical variation, residue mobility, and thermodynamic stability) indicates that this missense variant is expected to disrupt NF1 protein function with a positive predictive value of 80%. In summary, the available evidence is currently insufficient to determine the role of this variant in disease. Therefore, it has been classified as a Variant of Uncertain Significance.